The following is an entry in ClinVar:

NM_007294.4(BRCA1):c.2698A>T (p.Thr900Ser)

Gene: BRCA1 (BRCA1 DNA repair associated; minus strand). Cytogenetic location: 17q21.31.
Variant type: single nucleotide variant.
Coding change: c.2698A>T on transcript NM_007294.4 (MANE Select); coding-DNA position 2698, A replaced by T.
Protein change: p.Thr900Ser; replaces threonine 900 with serine.
Molecular consequence: missense variant. On other transcripts: intron variant (137).
Genome position (GRCh38, 1-based): chr17:43,092,833, T>A on the plus strand (A>T on the coding strand, the complement: BRCA1 is on the minus strand). VCF-style: chr17-43092833-T-A. GRCh37 (hg19) VCF-style: chr17-41244850-T-A.
Other names: c.578-1801A>T (NM_001408478.1, NM_001408483.1, NM_001408514.1 and 9 more transcripts); c.662-1801A>T (NM_001408450.1, NM_001408434.1, NM_001408447.1 and 6 more transcripts); c.785-1801A>T (NM_001408398.1, NM_001407992.1, NM_001407986.1 and 13 more transcripts); c.2575A>T, p.Thr859Ser (NM_001407667.1, NM_001407668.1, NM_001407669.1 and 19 more transcripts); c.665-1801A>T (NM_001408440.1, NM_001408428.1, NM_001408441.1 and 12 more transcripts); c.671-1801A>T (NM_001408418.1, NM_001408423.1, NM_001408420.1 and 2 more transcripts); c.2572A>T, p.Thr858Ser (NM_001407670.1, NM_001407671.1, NM_001407672.1 and 11 more transcripts); c.788-1801A>T (NM_001407981.1, NM_007298.4, NM_001407978.1 and 17 more transcripts); and 41 more; short protein forms T604S, T732S, T772S, T773S, T788S, T789S, T811S, T812S.
Identifiers: ClinVar variation 1721850 (VCV001721850.8), dbSNP rs2552184882, ClinGen allele CA10596602.

ClinVar aggregate classification (germline): Conflicting classifications of pathogenicity. Review status: criteria provided, conflicting classifications (1 of 4 stars). 2 submissions from 2 submitters: Uncertain significance (1); Likely benign (1). Last evaluated 2023-03-23.

Conditions:
Hereditary cancer-predisposing syndrome. Also called: Hereditary neoplastic syndrome; Neoplastic Syndromes, Hereditary; Hereditary Cancer Syndrome; Tumor predisposition. Identifiers: Orphanet 140162, MedGen C0027672, MeSH D009386, MONDO:0015356.
Hereditary breast ovarian cancer syndrome. Also called: BRCA1- and BRCA2-Associated Hereditary Breast and Ovarian Cancer; Hereditary breast and ovarian cancer syndrome (HBOC); Hereditary breast and/or ovarian cancer syndrome; Hereditary breast and ovarian cancer syndrome; Hereditary breast and ovarian cancer; Breast and ovarian cancer. Identifiers: Orphanet 145, MedGen C0677776, MeSH D061325, MONDO:0003582. Disease mechanism: loss of function.

Submissions (2):

University of Washington Department of Laboratory Medicine, University of Washington
Classification: Likely benign for Hereditary cancer-predisposing syndrome. Last evaluated: 2023-03-23. Review status: criteria provided, single submitter. Criteria: Dines et al. (Genet Med. 2020). Collection method: curation. Allele origin: germline.
Comment: Missense variant in a coldspot region where missense variants are very unlikely to be pathogenic (PMID:31911673).

BRCA1 coldspot (exon 11 using historical exon numbering). Reclassification based on statistical prior probability

Labcorp Genetics (formerly Invitae), Labcorp
Classification: Uncertain significance for Hereditary breast ovarian cancer syndrome. Last evaluated: 2022-10-19. Review status: criteria provided, single submitter. Criteria: Invitae Variant Classification Sherloc (09022015). Collection method: clinical testing. Allele origin: germline.
Comment: This sequence change replaces threonine, which is neutral and polar, with serine, which is neutral and polar, at codon 900 of the BRCA1 protein (p.Thr900Ser). This variant is not present in population databases (gnomAD no frequency). This variant has not been reported in the literature in individuals affected with BRCA1-related conditions. Advanced modeling of protein sequence and biophysical properties (such as structural, functional, and spatial information, amino acid conservation, physicochemical variation, residue mobility, and thermodynamic stability) performed at Invitae indicates that this missense variant is not expected to disrupt BRCA1 protein function. In summary, the available evidence is currently insufficient to determine the role of this variant in disease. Therefore, it has been classified as a Variant of Uncertain Significance.